The following is an entry in ClinVar:

NM_025179.4(PLXNA2):c.4843C>T (p.Arg1615Trp)

Gene: PLXNA2 (plexin A2; minus strand). Cytogenetic location: 1q32.2.
Variant type: single nucleotide variant.
Coding change: c.4843C>T on transcript NM_025179.4 (MANE Select); coding-DNA position 4843, C replaced by T.
Protein change: p.Arg1615Trp; replaces arginine 1615 with tryptophan.
Molecular consequence: missense variant.
Genome position (GRCh38, 1-based): chr1:208,034,514, G>A on the plus strand (C>T on the coding strand, the complement: PLXNA2 is on the minus strand). VCF-style: chr1-208034514-G-A. GRCh37 (hg19) VCF-style: chr1-208207859-G-A.
Other names: c.4843C>T (NM_025179.3); short protein forms R1615W.
Identifiers: ClinVar variation 1374035 (VCV001374035.9), dbSNP rs770608043, ClinGen allele CA1372750.
Genomic context (GRCh38, chr1:208,034,514, plus strand): 5'-TCTGCTCTGAGCTGCCCAGTCTGCCCTCGTGGTTCTCACCGTATCTGCTGATGGACGTCC[G>A]GGAGATGCTGGCAGAGGCAGGGATGTTGTAGGAGGAGGTCTGTTTGGGGACCAGAGCCAC-3'
Protein context (NP_079455.3, residues 1605-1625): YNIPASASIS[Arg1615Trp]TSISRYDSSF

ClinVar aggregate classification (germline): Uncertain significance. Review status: criteria provided, single submitter (1 of 4 stars). 2 submissions from 2 submitters: Uncertain significance (1). 1 of the submissions does not count toward it. Last evaluated 2023-06-29.

Conditions:
PLXNA2-related disorder. Also called: PLXNA2-related condition.

Allele frequency attached by ClinVar (database versions not stated): TOPMed 0.00002; ExAC 0.00003; gnomAD exomes 0.00003 and 0.00004; gnomAD 0.00005.

Submissions (2):

Labcorp Genetics (formerly Invitae), Labcorp
Classification: Uncertain significance. Last evaluated: 2023-06-29. Review status: criteria provided, single submitter. Criteria: Invitae Variant Classification Sherloc (09022015). Collection method: clinical testing. Allele origin: germline.
Comment: An algorithm developed to predict the effect of missense changes on protein structure and function (PolyPhen-2) suggests that this variant is likely to be disruptive. In summary, the available evidence is currently insufficient to determine the role of this variant in disease. Therefore, it has been classified as a Variant of Uncertain Significance. ClinVar contains an entry for this variant (Variation ID: 1374035). This variant is present in population databases (rs770608043, gnomAD 0.02%). This variant has not been reported in the literature in individuals affected with PLXNA2-related conditions. This sequence change replaces arginine, which is basic and polar, with tryptophan, which is neutral and slightly polar, at codon 1615 of the PLXNA2 protein (p.Arg1615Trp).

PreventionGenetics, part of Exact Sciences
Classification: Uncertain significance for PLXNA2-related condition. Last evaluated: 2024-02-15. Review status: no assertion criteria provided. Collection method: clinical testing. Allele origin: germline. Not counted in ClinVar's aggregate classification.
Comment: The PLXNA2 c.4843C>T variant is predicted to result in the amino acid substitution p.Arg1615Trp. To our knowledge, this variant has not been reported in the literature. This variant is reported in 0.015% of alleles in individuals of East Asian descent in gnomAD. At this time, the clinical significance of this variant is uncertain due to the absence of conclusive functional and genetic evidence.